The following is an entry in ClinVar:

ClinVar aggregate classification (germline): Uncertain significance. Review status: criteria provided, multiple submitters, no conflicts (2 of 4 stars). 3 submissions from 3 submitters: Uncertain significance (3). Last evaluated 2025-06-23.

Conditions:
Cardiomyopathy (CMYO). Also called: Cardiomyopathies. Identifiers: Orphanet 167848, MedGen C0878544, MONDO:0004994, HP:0001638. Inheritance: Various modes of inheritance.
Cardiovascular phenotype. Identifiers: MedGen CN230736.
Lethal congenital glycogen storage disease of heart. Also called: PHOSPHORYLASE KINASE DEFICIENCY OF HEART; GLYCOGEN STORAGE DISEASE OF HEART. Identifiers: Orphanet 439854, MedGen C1849813, MONDO:0009867, OMIM 261740.

gnomAD v4.1: 1 of 1,614,158 alleles (0.000062%); highest among the groups gnomAD compares: Non-Finnish European, 0.000085%; no homozygotes.

Submissions (3):

Color Diagnostics, LLC DBA Color Health
Classification: Uncertain significance for Cardiomyopathy. Last evaluated: 2025-06-23. Review status: criteria provided, single submitter. Criteria: ACMG Guidelines, 2015. Collection method: clinical testing. Allele origin: germline.
Comment: This missense variant replaces serine with cysteine at codon 179 of the PRKAG2 protein. Computational prediction suggests that this variant may not impact protein structure and function. To our knowledge, functional studies have not been reported for this variant. This variant has not been reported in individuals affected with PRKAG2-related disorders in the literature. This variant has been identified in 1/251486 chromosomes in the general population by the Genome Aggregation Database (gnomAD). The available evidence is insufficient to determine the role of this variant in disease conclusively. Therefore, this variant is classified as a Variant of Uncertain Significance.

Ambry Genetics
Classification: Uncertain significance for Cardiovascular phenotype. Last evaluated: 2025-02-06. Review status: criteria provided, single submitter. Criteria: Ambry Variant Classification Scheme 2023. Collection method: clinical testing. Allele origin: germline.
Comment: The p.S179C variant (also known as c.536C>G), located in coding exon 4 of the PRKAG2 gene, results from a C to G substitution at nucleotide position 536. The serine at codon 179 is replaced by cysteine, an amino acid with dissimilar properties. This amino acid position is conserved. In addition, the in silico prediction for this alteration is inconclusive. Based on the available evidence, the clinical significance of this variant remains unclear.

Labcorp Genetics (formerly Invitae), Labcorp
Classification: Uncertain significance for Lethal congenital glycogen storage disease of heart. Last evaluated: 2024-07-23. Review status: criteria provided, single submitter. Criteria: Invitae Variant Classification Sherloc (09022015). Collection method: clinical testing. Allele origin: germline.
Comment: This sequence change replaces serine, which is neutral and polar, with cysteine, which is neutral and slightly polar, at codon 179 of the PRKAG2 protein (p.Ser179Cys). This variant is present in population databases (no rsID available, gnomAD 0.0009%). This variant has not been reported in the literature in individuals affected with PRKAG2-related conditions. Advanced modeling of protein sequence and biophysical properties (such as structural, functional, and spatial information, amino acid conservation, physicochemical variation, residue mobility, and thermodynamic stability) performed at Invitae indicates that this missense variant is not expected to disrupt PRKAG2 protein function with a negative predictive value of 95%. In summary, the available evidence is currently insufficient to determine the role of this variant in disease. Therefore, it has been classified as a Variant of Uncertain Significance.

NM_016203.4(PRKAG2):c.536C>G (p.Ser179Cys)

Gene: PRKAG2 (protein kinase AMP-activated non-catalytic subunit gamma 2; minus strand). Cytogenetic location: 7q36.1.
Variant type: single nucleotide variant.
Coding change: c.536C>G on transcript NM_016203.4 (MANE Select); coding-DNA position 536, C replaced by G.
Protein change: p.Ser179Cys; replaces serine 179 with cysteine.
Molecular consequence: missense variant. On other transcripts: intron variant (5).
Genome position (GRCh38, 1-based): chr7:151,675,568, G>C on the plus strand (C>G on the coding strand, the complement: PRKAG2 is on the minus strand). VCF-style: chr7-151675568-G-C. GRCh37 (hg19) VCF-style: chr7-151372654-G-C.
Other names: c.404C>G, p.Ser135Cys (NM_001040633.2, NM_001407024.1, NM_001407026.1 and 1 more transcripts); c.164C>G, p.Ser55Cys (NM_001304527.2, NM_001363698.2, NM_001407028.1 and 1 more transcripts); c.536C>G, p.Ser179Cys (NM_001407021.1, NM_001407022.1, NM_001407023.1); c.218C>G, p.Ser73Cys (NM_001407032.1); c.467-80117C>G (NM_001407031.1); c.467-80114C>G (NM_001407030.1); c.361-43430C>G (NM_001407033.1); c.94+60332C>G (NM_001407037.1); and 2 more; short protein forms S55C, S135C, S179C, S73C.
Identifiers: ClinVar variation 3658995 (VCV003658995.4).
Genomic context (GRCh38, chr7:151,675,568, plus strand): 5'-TCCGGGGGGGAAGACGAGGCATAGATGCGATTCTCTAACCGTTCAGGCTCGTGCTTATAG[G>C]ATTCCAGGGGAAACGTGTGCTGCTTGGTCACTTGGGTGGGTGTTGACGGAGAGGAGGAGA-3'
Protein context (NP_057287.2, residues 169-189): VTKQHTFPLE[Ser179Cys]YKHEPERLEN